The following is an entry in ClinVar:

NM_024675.4(PALB2):c.3302_3306dup (p.Val1103fs)

Gene: PALB2 (partner and localizer of BRCA2; minus strand). Cytogenetic location: 16p12.2.
Variant type: Duplication.
Coding change: c.3302_3306dup on transcript NM_024675.4 (MANE Select); coding-DNA positions 3302 to 3306, 5 bases duplicated (TCAGC; older notation c.3302_3306dupTCAGC).
Protein change: p.Val1103fs; shifts the reading frame from valine 1103.
Molecular consequence: frameshift variant.
Genome position (GRCh38, 1-based): chr16:23,607,908-23,607,912, GCTGA duplicated on the plus strand (TCAGC on the coding strand, the reverse complement: PALB2 is on the minus strand); duplicating any 5 consecutive bases within chr16:23,607,908-23,607,913 gives the same sequence; the c. name uses the placement nearest the transcript's 3' end. VCF-style (leftmost placement, unchanged base first): chr16-23607907-C-CGCTGA. GRCh37 (hg19) VCF-style: chr16-23619228-C-CGCTGA.
Other names: c.3302_3306dupTCAGC (NM_024675.3); c.3241_3245dup, p.Val1083Serfs (NM_001407296.1); c.3229_3233dup, p.Val1079Serfs (NM_001407297.1); c.3139_3143dup, p.Val1049Serfs (NM_001407298.1); c.3022_3026dup, p.Val1010Serfs (NM_001407300.1); c.2416_2420dup, p.Val808Serfs (NM_001407304.1, NM_001407305.1, NM_001407306.1); c.2254_2258dup, p.Val754Serfs (NM_001407307.1); c.1513_1517dup, p.Val507Serfs (NM_001407312.1); and 1 more; short protein forms V1103fs.
Identifiers: ClinVar variation 2089716 (VCV002089716.6), dbSNP rs2506214923, ClinGen allele CA2580091269.

ClinVar aggregate classification (germline): Pathogenic/Likely pathogenic. Review status: criteria provided, multiple submitters, no conflicts (2 of 4 stars). 3 submissions from 3 submitters: Pathogenic (2); Likely pathogenic (1). Last evaluated 2025-10-29.

Conditions:
Familial cancer of breast. Also called: hereditary breast carcinoma; BREAST CANCER, FAMILIAL; Hereditary breast cancer. Identifiers: Orphanet 227535, MedGen C0346153, MONDO:0016419, OMIM 114480. Disease mechanism: loss of function.
Hereditary cancer-predisposing syndrome. Also called: Tumor predisposition; Hereditary Cancer Syndrome; Hereditary neoplastic syndrome; Neoplastic Syndromes, Hereditary. Identifiers: Orphanet 140162, MedGen C0027672, MeSH D009386, MONDO:0015356.

Submissions (3):

Labcorp Genetics (formerly Invitae), Labcorp
Classification: Pathogenic for Familial cancer of breast. Last evaluated: 2025-10-29. Review status: criteria provided, single submitter. Criteria: Invitae Variant Classification Sherloc (09022015). Collection method: clinical testing. Allele origin: germline.
Comment: This sequence change creates a premature translational stop signal (p.Val1103Serfs*5) in the PALB2 gene. While this is not anticipated to result in nonsense mediated decay, it is expected to disrupt the last 84 amino acid(s) of the PALB2 protein. This variant is not present in population databases (gnomAD no frequency). This variant has not been reported in the literature in individuals affected with PALB2-related conditions. ClinVar contains an entry for this variant (Variation ID: 2089716). RNA analysis performed to evaluate the impact of this premature translational stop signal on mRNA splicing indicates it does not significantly alter splicing (internal data). This variant disrupts a region of the PALB2 protein in which other variant(s) (p.Tyr1183*) have been determined to be pathogenic (PMID: 17200668, 17200671, 19609323, 21365267, 22241545, 26315354). This suggests that this is a clinically significant region of the protein, and that variants that disrupt it are likely to be disease-causing. For these reasons, this variant has been classified as Pathogenic.

Ambry Genetics
Classification: Likely pathogenic for Hereditary cancer-predisposing syndrome. Last evaluated: 2025-07-14. Review status: criteria provided, single submitter. Criteria: Ambry Variant Classification Scheme 2023. Collection method: clinical testing. Allele origin: germline.
Comment: The c.3302_3306dupTCAGC variant, located in coding exon 12 of the PALB2 gene, results from a duplication of TCAGC at nucleotide position 3302, causing a translational frameshift with a predicted alternate stop codon (p.V1103Sfs*5). This alteration occurs at the 3' terminus of thePALB2 gene, is not expected to trigger nonsense-mediated mRNA decay, and impacts the last 7% of the protein. However, premature stop codons are typically deleterious in nature, the impacted region is critical for protein function, and a significant portion of the protein is affected (Ambry internal data). This variant is considered to be rare based on population cohorts in the Genome Aggregation Database (gnomAD). Based on the majority of available evidence to date, this variant is likely to be pathogenic.

Myriad Genetics, Inc.
Classification: Pathogenic for Familial cancer of breast. Last evaluated: 2023-09-15. Review status: criteria provided, single submitter. Criteria: Myriad Autosomal Dominant, Autosomal Recessive and X-Linked Classification Criteria (2023). Collection method: clinical testing. Allele origin: unknown.
Comment: This variant is considered pathogenic. This variant creates a frameshift predicted to result in premature protein truncation.

Literature cited by the submitters: PubMed 17200668 (cited by Labcorp Genetics (formerly Invitae), Labcorp); PubMed 17200671 (cited by Labcorp Genetics (formerly Invitae), Labcorp); PubMed 19609323 (cited by Labcorp Genetics (formerly Invitae), Labcorp); PubMed 21365267 (cited by Labcorp Genetics (formerly Invitae), Labcorp); PubMed 22241545 (cited by Labcorp Genetics (formerly Invitae), Labcorp); PubMed 26315354 (cited by Labcorp Genetics (formerly Invitae), Labcorp).